The following is an entry in ClinVar:

NM_017875.4(SLC25A38):c.872C>T (p.Thr291Met)

Gene: SLC25A38 (solute carrier family 25 member 38; plus strand). Cytogenetic location: 3p22.1.
Variant type: single nucleotide variant.
Coding change: c.872C>T on transcript NM_017875.4 (MANE Select); coding-DNA position 872, C replaced by T.
Protein change: p.Thr291Met; replaces threonine 291 with methionine.
Molecular consequence: missense variant. On other transcripts: synonymous variant (1).
Genome position (GRCh38, 1-based): chr3:39,396,477, C>T. VCF-style: chr3-39396477-C-T. GRCh37 (hg19) VCF-style: chr3-39437968-C-T.
Other names: c.705C>T, p.Asp235= (NM_001354798.2); short protein forms T291M.
Identifiers: ClinVar variation 2063105 (VCV002063105.29), dbSNP rs372825849, ClinGen allele CA2327572.

ClinVar aggregate classification (germline): Uncertain significance. Review status: criteria provided, multiple submitters, no conflicts (2 of 4 stars). 3 submissions from 3 submitters: Uncertain significance (3). Last evaluated 2023-08-01.

Conditions:
Inborn genetic diseases. Identifiers: MedGen C0950123, MeSH D030342.

Allele frequency attached by ClinVar (database versions not stated): gnomAD exomes 0.00001; ExAC 0.00002; gnomAD 0.00003; TOPMed 0.00007; ESP Exome Variant Server 0.00008.
gnomAD v4.1: 20 of 1,613,874 alleles (0.0012%); highest among the groups gnomAD compares: African/African-American, 0.011%; no homozygotes.

Submissions (3):

CeGaT Center for Human Genetics Tuebingen
Classification: Uncertain significance. Last evaluated: 2023-08-01. Review status: criteria provided, single submitter. Criteria: CeGaT Center For Human Genetics Tuebingen Variant Classification Criteria Version 2. Collection method: clinical testing. Allele origin: germline. Affected: yes. Observed: 1 variant allele.
Comment: SLC25A38: PM2, PP3

Ambry Genetics
Classification: Uncertain significance for Inborn genetic diseases. Last evaluated: 2022-10-03. Review status: criteria provided, single submitter. Criteria: Ambry Variant Classification Scheme 2023. Collection method: clinical testing. Allele origin: germline.

Labcorp Genetics (formerly Invitae), Labcorp
Classification: Uncertain significance. Last evaluated: 2022-06-18. Review status: criteria provided, single submitter. Criteria: Invitae Variant Classification Sherloc (09022015). Collection method: clinical testing. Allele origin: germline.
Comment: In summary, the available evidence is currently insufficient to determine the role of this variant in disease. Therefore, it has been classified as a Variant of Uncertain Significance. Algorithms developed to predict the effect of missense changes on protein structure and function are either unavailable or do not agree on the potential impact of this missense change (SIFT: "Deleterious"; PolyPhen-2: "Probably Damaging"; Align-GVGD: "Class C15"). This variant has not been reported in the literature in individuals affected with SLC25A38-related conditions. This variant is present in population databases (rs372825849, gnomAD 0.02%). This sequence change replaces threonine, which is neutral and polar, with methionine, which is neutral and non-polar, at codon 291 of the SLC25A38 protein (p.Thr291Met).